The following is an entry in ClinVar:

ClinVar aggregate classification (germline): Uncertain significance (1 of 4 stars; one submission).

Allele frequency attached by ClinVar (database versions not stated): gnomAD exomes below 0.00001; TOPMed below 0.00001; gnomAD 0.00001.
gnomAD v4.1: 3 of 1,572,934 alleles (0.00019%); highest among the groups gnomAD compares: Admixed American, 0.0056%; no homozygotes.

Submission:

GeneDx
Classification: Uncertain significance. Last evaluated: 2023-01-17. Review status: criteria provided, single submitter. Criteria: GeneDx Variant Classification Process June 2021. Collection method: clinical testing. Allele origin: germline. Affected: yes.
Comment: In silico analysis supports that this missense variant does not alter protein structure/function; Has not been previously published as pathogenic or benign to our knowledge

NM_014727.3(KMT2B):c.3880C>T (p.His1294Tyr)

Gene: KMT2B (lysine methyltransferase 2B; plus strand). Cytogenetic location: 19q13.12.
Variant type: single nucleotide variant.
Coding change: c.3880C>T on transcript NM_014727.3 (MANE Select); coding-DNA position 3880, C replaced by T.
Protein change: p.His1294Tyr; replaces histidine 1294 with tyrosine.
Molecular consequence: missense variant.
Genome position (GRCh38, 1-based): chr19:35,725,813, C>T. VCF-style: chr19-35725813-C-T. GRCh37 (hg19) VCF-style: chr19-36216714-C-T.
Other names: short protein forms H1294Y.
Identifiers: ClinVar variation 2572939 (VCV002572939.1), dbSNP rs768789952, ClinGen allele CA9384900.
Genomic context (GRCh38, chr19:35,725,813, plus strand): 5'-GCATACCACCCGGCCTGTCTGGGGCCCAGCTATCCAACCCGGGCCACGCGCAAACGGCGC[C>T]ACTGGGTGAGAGATGAGGTTCACCCACTTGCTTTGTCTCTAATGAATATCACCACCACCC-3'
Protein context (NP_055542.1, residues 1284-1304): YPTRATRKRR[His1294Tyr]WICSACVRCK